The following is an entry in ClinVar:

NM_001099922.3(ALG13):c.3146A>G (p.Asn1049Ser)

Gene: ALG13 (ALG13 UDP-N-acetylglucosaminyltransferase subunit; plus strand). Cytogenetic location: Xq23.
Variant type: single nucleotide variant.
Coding change: c.3146A>G on transcript NM_001099922.3 (MANE Select); coding-DNA position 3146, A replaced by G.
Protein change: p.Asn1049Ser; replaces asparagine 1049 with serine.
Molecular consequence: missense variant. On other transcripts: non-coding transcript variant (1).
Genome position (GRCh38, 1-based): chrX:111,757,760, A>G. VCF-style: chrX-111757760-A-G. GRCh37 (hg19) VCF-style: chrX-111000988-A-G.
Other names: c.2597A>G, p.Asn866Ser (NM_001257230.2, NM_001257234.2, NM_001257237.2); c.2912A>G, p.Asn971Ser (NM_001257231.2); c.2909A>G, p.Asn970Ser (NM_001324292.2); c.2423A>G, p.Asn808Ser (NM_001324293.1); short protein forms N866S, N1049S, N971S, N808S, N970S.
Identifiers: ClinVar variation 1949853 (VCV001949853.2), dbSNP rs764976056, ClinGen allele CA10494050.

ClinVar aggregate classification (germline): Uncertain significance (1 of 4 stars; one submission).

Conditions:
Developmental and epileptic encephalopathy, 36 (DEE36). Also called: ALG13-CDG; Epileptic encephalopathy, early infantile, 36; Congenital disorder of glycosylation, type Is. Identifiers: Orphanet 324422, MedGen C4317295, MONDO:0010472, OMIM 300884.

Allele frequency attached by ClinVar (database versions not stated): gnomAD exomes below 0.00001; ExAC 0.00002.
gnomAD v4.1: 2 of 1,204,986 alleles (0.00017%); highest among the groups gnomAD compares: Non-Finnish European, 0.00022%; no homozygotes.

Submission:

Labcorp Genetics (formerly Invitae), Labcorp
Classification: Uncertain significance for Developmental and epileptic encephalopathy, 36. Last evaluated: 2022-11-01. Review status: criteria provided, single submitter. Criteria: Invitae Variant Classification Sherloc (09022015). Collection method: clinical testing. Allele origin: germline.
Comment: This sequence change replaces asparagine, which is neutral and polar, with serine, which is neutral and polar, at codon 1049 of the ALG13 protein (p.Asn1049Ser). This variant is present in population databases (rs764976056, gnomAD 0.003%). This variant has not been reported in the literature in individuals affected with ALG13-related conditions. Algorithms developed to predict the effect of missense changes on protein structure and function (SIFT, PolyPhen-2, Align-GVGD) all suggest that this variant is likely to be tolerated. In summary, the available evidence is currently insufficient to determine the role of this variant in disease. Therefore, it has been classified as a Variant of Uncertain Significance.